The following is an entry in ClinVar:

ClinVar aggregate classification (germline): Uncertain significance. Review status: criteria provided, multiple submitters, no conflicts (2 of 4 stars). 2 submissions from 2 submitters: Uncertain significance (2). Last evaluated 2024-08-12.

gnomAD v4.1: 30 of 1,550,410 alleles (0.0019%); highest among the groups gnomAD compares: African/African-American, 0.023%; no homozygotes.

Submissions (2):

Blueprint Genetics
Classification: Uncertain significance. Last evaluated: 2024-08-12. Review status: criteria provided, single submitter. Criteria: ACMG Guidelines, 2015. Collection method: clinical testing. Allele origin: germline.

GeneDx
Classification: Uncertain significance. Last evaluated: 2024-07-03. Review status: criteria provided, single submitter. Criteria: GeneDx Variant Classification Process June 2021. Collection method: clinical testing. Allele origin: germline. Affected: yes.
Comment: In silico analysis indicates that this missense variant does not alter protein structure/function; Has not been previously published as pathogenic or benign to our knowledge

NM_001292063.2(OTOG):c.271C>T (p.Arg91Trp)

Gene: OTOG (otogelin; plus strand). Cytogenetic location: 11p15.1.
Variant type: single nucleotide variant.
Coding change: c.271C>T on transcript NM_001292063.2 (MANE Select); coding-DNA position 271, C replaced by T.
Protein change: p.Arg91Trp; replaces arginine 91 with tryptophan.
Molecular consequence: missense variant.
Genome position (GRCh38, 1-based): chr11:17,552,054, C>T. VCF-style: chr11-17552054-C-T. GRCh37 (hg19) VCF-style: chr11-17573601-C-T.
Other names: c.307C>T, p.Arg103Trp (NM_001277269.2); short protein forms R103W, R91W.
Identifiers: ClinVar variation 3393689 (VCV003393689.2).